The following is an entry in ClinVar:

ClinVar aggregate classification (germline): Uncertain significance (1 of 4 stars; one submission).

Submission:

CeGaT Center for Human Genetics Tuebingen
Classification: Uncertain significance. Last evaluated: 2025-10-01. Review status: criteria provided, single submitter. Criteria: CeGaT Center For Human Genetics Tuebingen Variant Classification Criteria Version 2. Collection method: clinical testing. Allele origin: germline. Affected: yes. Observed: 1 variant allele.
Comment: HCN1: PM2, PP2, PP3

NM_021072.4(HCN1):c.442A>G (p.Ile148Val)

Gene: HCN1 (hyperpolarization activated cyclic nucleotide gated potassium channel 1; minus strand). Cytogenetic location: 5p12.
Variant type: single nucleotide variant.
Coding change: c.442A>G on transcript NM_021072.4 (MANE Select); coding-DNA position 442, A replaced by G.
Protein change: p.Ile148Val; replaces isoleucine 148 with valine.
Molecular consequence: missense variant.
Genome position (GRCh38, 1-based): chr5:45,645,592, T>C on the plus strand (A>G on the coding strand, the complement: HCN1 is on the minus strand). VCF-style: chr5-45645592-T-C. GRCh37 (hg19) VCF-style: chr5-45645694-T-C.
Other names: short protein forms I148V.
Identifiers: ClinVar variation 4534483 (VCV004534483.6).